The following is an entry in ClinVar:

ClinVar aggregate classification (germline): Conflicting classifications of pathogenicity. Review status: criteria provided, conflicting classifications (1 of 4 stars). 7 submissions from 7 submitters: Uncertain significance (5); Benign (1); Likely benign (1). Last evaluated 2026-01-10.

Conditions:
Cardiovascular phenotype. Identifiers: MedGen CN230736.
Catecholaminergic polymorphic ventricular tachycardia (CVPT). Also called: Catecholamine-induced polymorphic ventricular tachycardia. Identifiers: Orphanet 3286, MedGen C5574922, MONDO:0017990.
Cardiomyopathy (CMYO). Also called: Cardiomyopathies. Identifiers: Orphanet 167848, MedGen C0878544, MONDO:0004994, HP:0001638. Inheritance: Various modes of inheritance.
Catecholaminergic polymorphic ventricular tachycardia 1. Also called: RYR2-Related Catecholaminergic Polymorphic Ventricular Tachycardia; VENTRICULAR TACHYCARDIA, STRESS-INDUCED POLYMORPHIC 1; VENTRICULAR TACHYCARDIA, CATECHOLAMINERGIC POLYMORPHIC, 1, WITH OR WITHOUT ATRIAL DYSFUNCTION AND/OR DILATED CARDIOMYOPATHY. Identifiers: Orphanet 3286, MedGen C1631597, MONDO:0011484, OMIM 604772.

Allele frequency attached by ClinVar (database versions not stated): ExAC 0.00002; gnomAD 0.00003 and 0.00004; gnomAD exomes 0.00003 and 0.00004; TOPMed 0.00004.
gnomAD v4.1: 63 of 1,613,138 alleles (0.0039%); highest among the groups gnomAD compares: Non-Finnish European, 0.0053%; no homozygotes.

Submissions (7):

Labcorp Genetics (formerly Invitae), Labcorp
Classification: Uncertain significance for Catecholaminergic polymorphic ventricular tachycardia 1. Last evaluated: 2026-01-10. Review status: criteria provided, single submitter. Criteria: Invitae Variant Classification Sherloc (09022015). Collection method: clinical testing. Allele origin: germline.
Comment: This sequence change replaces glycine, which is neutral and non-polar, with glutamic acid, which is acidic and polar, at codon 4315 of the RYR2 protein (p.Gly4315Glu). This variant is present in population databases (rs766109950, gnomAD 0.007%). This missense change has been observed in individual(s) with a sudden unexplained death (PMID: 22222782). ClinVar contains an entry for this variant (Variation ID: 451678). Invitae Evidence Modeling of protein sequence and biophysical properties (such as structural, functional, and spatial information, amino acid conservation, physicochemical variation, residue mobility, and thermodynamic stability) indicates that this missense variant is expected to disrupt RYR2 protein function with a positive predictive value of 95%. In summary, the available evidence is currently insufficient to determine the role of this variant in disease. Therefore, it has been classified as a Variant of Uncertain Significance.

Laboratory of Genetics, Children's Clinical University Hospital Latvia
Classification: Benign. Last evaluated: 2025-02-16. Review status: criteria provided, single submitter. Criteria: ACMG Guidelines, 2015. Collection method: clinical testing. Allele origin: germline. Affected: yes.

All of Us Research Program, National Institutes of Health
Classification: Uncertain significance for Catecholaminergic polymorphic ventricular tachycardia. Last evaluated: 2024-08-30. Review status: criteria provided, single submitter. Criteria: ACMG Guidelines, 2015. Collection method: clinical testing. Allele origin: germline. Inheritance: Autosomal dominant inheritance. Observed: 28 variant alleles, 28 heterozygotes.
Comment: This missense variant replaces glycine with glutamic acid at codon 4315 of the RYR2 protein. Computational prediction suggests that this variant may have deleterious impact on protein structure and function (internally defined REVEL score threshold >= 0.7, PMID: 27666373). To our knowledge, functional studies have not been reported for this variant. This variant has been reported in an individual affected with non-compaction cardiomyopathy (Rineiska et al. doi:10.1093/europace/euaa162.299), in an individual affected with sudden death (PMID: 22222782), as well as in a healthy individual (PMID: 19926015). This variant has also been identified in 11/280034 chromosomes in the general population by the Genome Aggregation Database (gnomAD). The available evidence is insufficient to determine the role of this variant in disease conclusively. Therefore, this variant is classified as a Variant of Uncertain Significance.

This study involves interpretation of variants in research participants for the purpose of population health screening. Participant phenotype was not available at the time of variant classification. Additional details can be found in publication PMID: 35346344, PMCID: PMC8962531

Blueprint Genetics
Classification: Likely benign. Last evaluated: 2024-07-11. Review status: criteria provided, single submitter. Criteria: ACMG Guidelines, 2015. Collection method: clinical testing. Allele origin: germline.

Color Diagnostics, LLC DBA Color Health
Classification: Uncertain significance for Cardiomyopathy. Last evaluated: 2024-02-07. Review status: criteria provided, single submitter. Criteria: ACMG Guidelines, 2015. Collection method: clinical testing. Allele origin: germline.
Comment: This missense variant replaces glycine with glutamic acid at codon 4315 of the RYR2 protein. Computational prediction suggests that this variant may have deleterious impact on protein structure and function (internally defined REVEL score threshold >= 0.7, PMID: 27666373). To our knowledge, functional studies have not been reported for this variant. This variant has been reported in an individual affected with non-compaction cardiomyopathy (Rineiska et al. doi:10.1093/europace/euaa162.299), in an individual affected with sudden death (PMID: 22222782), as well as in a healthy individual (PMID: 19926015). This variant has also been identified in 11/280034 chromosomes in the general population by the Genome Aggregation Database (gnomAD). The available evidence is insufficient to determine the role of this variant in disease conclusively. Therefore, this variant is classified as a Variant of Uncertain Significance.

GeneDx
Classification: Uncertain significance. Last evaluated: 2023-11-29. Review status: criteria provided, single submitter. Criteria: GeneDx Variant Classification Process June 2021. Collection method: clinical testing. Allele origin: germline. Affected: yes.
Comment: Reported in an individual with either a CPVT or atypical LQTS phenotype and in one control sample, as well as in one individual with sudden unexpected death during sleep (PMID: 22222782, 19926015); In silico analysis supports that this missense variant has a deleterious effect on protein structure/function; Located in one of the three hot-spot regions of the RYR2 gene, where the majority of pathogenic missense variants occur (PMID: 19926015); This variant is associated with the following publications: (PMID: 22222782, 24025405, 19926015)

Ambry Genetics
Classification: Uncertain significance for Cardiovascular phenotype. Last evaluated: 2022-05-11. Review status: criteria provided, single submitter. Criteria: Ambry Variant Classification Scheme 2023. Collection method: clinical testing. Allele origin: germline.
Comment: The p.G4315E variant (also known as c.12944G>A), located in coding exon 90 of the RYR2 gene, results from a G to A substitution at nucleotide position 12944. The glycine at codon 4315 is replaced by glutamic acid, an amino acid with similar properties. This alteration has been reported in a case of sudden death and one ostensibly healthy individual (Medeiros-Domingo A et al. J. Am. Coll. Cardiol., 2009 Nov;54:2065-74; Larsen MK et al. Int. J. Legal Med., 2013 Jan;127:139-44). This amino acid position is highly conserved in available vertebrate species. In addition, the in silico prediction for this alteration is inconclusive. Since supporting evidence is limited at this time, the clinical significance of this alteration remains unclear.

Literature cited by the submitters: PubMed 22222782 (cited by 4 submitters); PubMed 19926015 (cited by 3 submitters).

NM_001035.3(RYR2):c.12944G>A (p.Gly4315Glu)

Genes: RYR2 (ryanodine receptor 2; plus strand), LOC126806068 (BRD4-independent group 4 enhancer GRCh37_chr1:237947411-237948610; plus strand). Cytogenetic location: 1q43.
Variant type: single nucleotide variant.
Coding change: c.12944G>A on transcript NM_001035.3 (MANE Select); coding-DNA position 12944, G replaced by A.
Protein change: p.Gly4315Glu; replaces glycine 4315 with glutamic acid.
Molecular consequence: missense variant.
Genome position (GRCh38, 1-based): chr1:237,784,656, G>A. VCF-style: chr1-237784656-G-A. GRCh37 (hg19) VCF-style: chr1-237947956-G-A.
Other names: c.12944G>A, p.Gly4315Glu (LRG_402t1); short protein forms G4315E.
Identifiers: ClinVar variation 451678 (VCV000451678.22), dbSNP rs766109950, ClinGen allele CA085277.